The following is an entry in ClinVar:

NM_000860.6(HPGD):c.672_698del (p.Leu224_Ile233delinsPhe)

Gene: HPGD (15-hydroxyprostaglandin dehydrogenase; minus strand). Cytogenetic location: 4q34.1.
Variant type: Deletion.
Coding change: c.672_698del on transcript NM_000860.6 (MANE Select); coding-DNA positions 672 to 698, 27 bases deleted (GATTGCCAATGGATTGATAACACTCAT).
Protein change: p.Leu224_Ile233delinsPhe.
Molecular consequence: inframe indel. On other transcripts: inframe deletion (1), stop lost (1).
Genome position (GRCh38, 1-based): chr4:174,492,059-174,492,085, ATGAGTGTTATCAATCCATTGGCAATC deleted on the plus strand (GATTGCCAATGGATTGATAACACTCAT on the coding strand, the reverse complement: HPGD is on the minus strand); deleting any 27 consecutive bases within chr4:174,492,059-174,492,086 gives the same sequence; the c. name uses the placement nearest the transcript's 3' end. VCF-style (leftmost placement, unchanged base first): chr4-174492058-AATGAGTGTTATCAATCCATTGGCAATC-A. GRCh37 (hg19) VCF-style: chr4-175413209-AATGAGTGTTATCAATCCATTGGCAATC-A.
Other names: c.508_534del, p.Asp170_His178del (NM_001145816.3); c.309_335del, p.Leu103_Ile112delinsPhe (NM_001256301.1, NM_001256307.2); c.431_*25del, p.Ter144Xaa (NM_001256305.2); c.468_494del, p.Leu156_Ile165delinsPhe (NM_001256306.2).
Identifiers: ClinVar variation 1937924 (VCV001937924.5), dbSNP rs2477824453, ClinGen allele CA2580071675.
Genomic context (GRCh38, chr4:174,492,058, plus strand): 5'-AAAATGAATTCCCTTAGAAGTTGTGATCTTCATAATAGCACCATTTAAAGCATCATCTTC[AATGAGTGTTATCAATCCATTGGCAATC>A]AATGGTGGGCTAAAAATAAAGAAAACAGTATTTTGAAACGAAAGAATGAGGCATATTACC-3'

ClinVar aggregate classification (germline): Uncertain significance (1 of 4 stars; one submission).

Submission:

Labcorp Genetics (formerly Invitae), Labcorp
Classification: Uncertain significance. Last evaluated: 2022-07-01. Review status: criteria provided, single submitter. Criteria: Invitae Variant Classification Sherloc (09022015). Collection method: clinical testing. Allele origin: germline.
Comment: Experimental studies and prediction algorithms are not available or were not evaluated, and the functional significance of this variant is currently unknown. This variant has not been reported in the literature in individuals affected with HPGD-related conditions. This variant is not present in population databases (gnomAD no frequency). This variant, c.672_698del, is a complex sequence change that results in the deletion of 10 and insertion of 1 amino acid(s) in the HPGD protein (p.Leu224_Ile233delinsPhe). In summary, the available evidence is currently insufficient to determine the role of this variant in disease. Therefore, it has been classified as a Variant of Uncertain Significance.